The following is an entry in ClinVar:

ClinVar aggregate classification (germline): Uncertain significance. Review status: criteria provided, multiple submitters, no conflicts (2 of 4 stars). 4 submissions from 4 submitters: Uncertain significance (4). Last evaluated 2024-12-26.

Conditions:
Inborn genetic diseases. Identifiers: MedGen C0950123, MeSH D030342.
Deficiency of ferroxidase (ACEP). Also called: Aceruloplasminemia; Deficiency of ceruloplasmin; NEURODEGENERATION WITH BRAIN IRON ACCUMULATION 10; Ceruloplasmin deficiency; Familial apoceruloplasmin deficiency; Hereditary ceruloplasmin deficiency. Identifiers: Orphanet 48818, MedGen C0878682, MONDO:0011426, OMIM 604290, HP:0025498.

Allele frequency attached by ClinVar (database versions not stated): ExAC 0.00003; gnomAD 0.00003 and 0.00002; gnomAD exomes 0.00006 and 0.00001; TOPMed 0.00002.

Submissions (4):

GeneDx
Classification: Uncertain significance. Last evaluated: 2024-12-26. Review status: criteria provided, single submitter. Criteria: GeneDx Variant Classification Process June 2021. Collection method: clinical testing. Allele origin: germline. Affected: yes.
Comment: In silico analysis supports that this missense variant has a deleterious effect on protein structure/function; Has not been previously published as pathogenic or benign to our knowledge

Ambry Genetics
Classification: Uncertain significance for Inborn genetic diseases. Last evaluated: 2023-10-02. Review status: criteria provided, single submitter. Criteria: Ambry Variant Classification Scheme 2023. Collection method: clinical testing. Allele origin: germline.

Labcorp Genetics (formerly Invitae), Labcorp
Classification: Uncertain significance for Deficiency of ferroxidase. Last evaluated: 2021-12-25. Review status: criteria provided, single submitter. Criteria: Invitae Variant Classification Sherloc (09022015). Collection method: clinical testing. Allele origin: germline.
Comment: ClinVar contains an entry for this variant (Variation ID: 343788). In summary, the available evidence is currently insufficient to determine the role of this variant in disease. Therefore, it has been classified as a Variant of Uncertain Significance. Advanced modeling of protein sequence and biophysical properties (such as structural, functional, and spatial information, amino acid conservation, physicochemical variation, residue mobility, and thermodynamic stability) performed at Invitae indicates that this missense variant is expected to disrupt CP protein function. This variant has not been reported in the literature in individuals affected with CP-related conditions. This variant is present in population databases (rs756029950, gnomAD 0.09%). This sequence change replaces tyrosine, which is neutral and polar, with cysteine, which is neutral and slightly polar, at codon 55 of the CP protein (p.Tyr55Cys).

Illumina Laboratory Services, Illumina
Classification: Uncertain significance for Deficiency of ferroxidase. Last evaluated: 2018-01-12. Review status: criteria provided, single submitter. Criteria: ICSL Variant Classification Criteria 13 December 2019. Collection method: clinical testing. Allele origin: germline.

NM_000096.4(CP):c.164A>G (p.Tyr55Cys)

Gene: CP (ceruloplasmin; minus strand). Cytogenetic location: 3q25.1.
Variant type: single nucleotide variant.
Coding change: c.164A>G on transcript NM_000096.4 (MANE Select); coding-DNA position 164, A replaced by G.
Protein change: p.Tyr55Cys; replaces tyrosine 55 with cysteine.
Molecular consequence: missense variant. On other transcripts: non-coding transcript variant (1).
Genome position (GRCh38, 1-based): chr3:149,212,681, T>C on the plus strand (A>G on the coding strand, the complement: CP is on the minus strand). VCF-style: chr3-149212681-T-C. GRCh37 (hg19) VCF-style: chr3-148930468-T-C.
Other names: short protein forms Y55C.
Identifiers: ClinVar variation 343788 (VCV000343788.14), dbSNP rs756029950, ClinGen allele CA2661370.